The following is an entry in ClinVar:

NM_000158.4(GBE1):c.1134T>G (p.Ser378Arg)

Gene: GBE1 (1,4-alpha-glucan branching enzyme 1; minus strand). Cytogenetic location: 3p12.2.
Variant type: single nucleotide variant.
Coding change: c.1134T>G on transcript NM_000158.4 (MANE Select); coding-DNA position 1134, T replaced by G.
Protein change: p.Ser378Arg; replaces serine 378 with arginine.
Molecular consequence: missense variant.
Genome position (GRCh38, 1-based): chr3:81,591,139, A>C on the plus strand (T>G on the coding strand, the complement: GBE1 is on the minus strand). VCF-style: chr3-81591139-A-C. GRCh37 (hg19) VCF-style: chr3-81640290-A-C.
Other names: p.Ser378Arg; short protein forms S378R.
Identifiers: ClinVar variation 444613 (VCV000444613.65), dbSNP rs36099971, ClinGen allele CA2499775.

ClinVar aggregate classification (germline): Benign/Likely benign. Review status: criteria provided, multiple submitters, no conflicts (2 of 4 stars). 11 submissions from 10 submitters: Benign (4); Likely benign (4). 3 of the submissions do not count toward it. Last evaluated 2026-08-01.

Conditions:
Glycogen storage disease IV, classic hepatic. Also called: GSD IV, CLASSIC HEPATIC. Identifiers: MedGen C1856301.
Glycogen storage disease, type IV (GSD4). Also called: AMYLOPECTINOSIS; ANDERSEN DISEASE; BRANCHER DEFICIENCY; CIRRHOSIS, FAMILIAL, WITH DEPOSITION OF ABNORMAL GLYCOGEN; GBE1 DEFICIENCY; GLYCOGEN BRANCHING ENZYME DEFICIENCY. Identifiers: Orphanet 367, MedGen C0017923, MONDO:0009292, OMIM 232500.
GBE1-related disorder. Also called: GBE1-related disorders; GBE1-related condition. Identifiers: MedGen CN239402.
Adult polyglucosan body disease (APBN). Also called: POLYGLUCOSAN BODY DISEASE, ADULT FORM; GBE1-Adult Polyglucosan Body Disease. Identifiers: Orphanet 206583, MedGen C1849722, MONDO:0009897, OMIM 263570.

Allele frequency attached by ClinVar (database versions not stated): ESP Exome Variant Server 0.00117; ExAC 0.00147; 1000 Genomes Project 30x 0.00203; gnomAD 0.00224 and 0.00237; 1000 Genomes Project 0.00240; TOPMed 0.00251; gnomAD exomes 0.00054 and 0.00112.
gnomAD v4.1: 1,202 of 1,605,016 alleles (0.075%); highest among the groups gnomAD compares: African/African-American, 0.59%; 6 homozygotes.

Submissions (11):

CeGaT Center for Human Genetics Tuebingen
Classification: Likely benign. Last evaluated: 2026-08-01. Review status: criteria provided, single submitter. Criteria: CeGaT Center For Human Genetics Tuebingen Variant Classification Criteria Version 2. Collection method: clinical testing. Allele origin: germline. Affected: yes. Observed: 3 variant alleles.
Comment: GBE1: BP4, BS1

Labcorp Genetics (formerly Invitae), Labcorp
Classification: Likely benign for Glycogen storage disease, type IV; Glycogen storage disease IV, classic hepatic. Last evaluated: 2026-02-02. Review status: criteria provided, single submitter. Criteria: Invitae Variant Classification Sherloc (09022015). Collection method: clinical testing. Allele origin: germline.

Mayo Clinic Laboratories, Mayo Clinic
Classification: Likely benign. Last evaluated: 2025-08-26. Review status: criteria provided, single submitter. Criteria: ACMG Guidelines, 2015. Collection method: clinical testing. Allele origin: germline. Observed: 6 variant alleles.
Comment: BS1, BP4

Blueprint Genetics
Classification: Likely benign. Last evaluated: 2024-11-25. Review status: criteria provided, single submitter. Criteria: ACMG Guidelines, 2015. Collection method: clinical testing. Allele origin: germline.

GeneDx
Classification: Benign. Last evaluated: 2019-04-18. Review status: criteria provided, single submitter. Criteria: GeneDx Variant Classification Process June 2021. Collection method: clinical testing. Allele origin: germline. Affected: yes.
Comment: This variant is associated with the following publications: (PMID: 27790088, 25133958, 31692161)

Centre for Mendelian Genomics, University Medical Centre Ljubljana
Classification: Benign for Glycogen storage disease, type IV. Last evaluated: 2018-10-29. Review status: criteria provided, single submitter. Criteria: ACMG Guidelines, 2015. Collection method: clinical testing. Allele origin: unknown. Affected: yes.
Comment: This variant was classified as: Benign. The following ACMG criteria were applied in classifying this variant: BS1,BS2.

Illumina Laboratory Services, Illumina
Classification: Benign for Adult polyglucosan body disease. Last evaluated: 2017-04-27. Review status: criteria provided, single submitter. Criteria: ICSL Variant Classification Criteria 13 December 2019. Collection method: clinical testing. Allele origin: germline.
Comment: This variant was observed as part of a predisposition screen in an ostensibly healthy population. A literature search was performed for the gene, cDNA change, and amino acid change (where applicable). Publications were found based on this search. The evidence from the literature, in combination with allele frequency data from public databases where available, was sufficient to rule this variant out of causing disease. Therefore, this variant is classified as benign.

Illumina Laboratory Services, Illumina
Classification: Benign for Glycogen storage disease, type IV. Last evaluated: 2017-04-27. Review status: criteria provided, single submitter. Criteria: ICSL Variant Classification Criteria 13 December 2019. Collection method: clinical testing. Allele origin: germline.
Comment: the same text as in the submission from Illumina Laboratory Services, Illumina above.

Natera, Inc.
Classification: Benign for Glycogen storage disease type IV. Last evaluated: 2020-01-13. Review status: no assertion criteria provided. Collection method: clinical testing. Allele origin: germline. Not counted in ClinVar's aggregate classification.

PreventionGenetics, part of Exact Sciences
Classification: Likely benign for GBE1-related condition. Last evaluated: 2019-05-03. Review status: no assertion criteria provided. Collection method: clinical testing. Allele origin: germline. Not counted in ClinVar's aggregate classification.
Comment: This variant is classified as likely benign based on ACMG/AMP sequence variant interpretation guidelines (Richards et al. 2015 PMID: 25741868, with internal and published modifications).

Counsyl
Classification: Uncertain significance for Glycogen storage disease, type IV. Last evaluated: 2017-05-09. Review status: no assertion criteria provided. Collection method: clinical testing. Allele origin: unknown. Not counted in ClinVar's aggregate classification.

Literature cited by the submitters: PubMed 25133958 (cited by Illumina Laboratory Services, Illumina and Counsyl).